The following is an entry in ClinVar:

NM_032043.3(BRIP1):c.2820G>C (p.Lys940Asn)

Gene: BRIP1 (BRCA1 interacting DNA helicase 1; minus strand). Cytogenetic location: 17q23.2.
Variant type: single nucleotide variant.
Coding change: c.2820G>C on transcript NM_032043.3 (MANE Select); coding-DNA position 2820, G replaced by C.
Protein change: p.Lys940Asn; replaces lysine 940 with asparagine.
Molecular consequence: missense variant.
Genome position (GRCh38, 1-based): chr17:61,685,921, C>G on the plus strand (G>C on the coding strand, the complement: BRIP1 is on the minus strand). VCF-style: chr17-61685921-C-G. GRCh37 (hg19) VCF-style: chr17-59763282-C-G.
Other names: short protein forms K940N.
Identifiers: ClinVar variation 2084174 (VCV002084174.6), dbSNP rs786201396, ClinGen allele CA400481459.
Genomic context (GRCh38, chr17:61,685,921, plus strand): 5'-ACTTGGTAGAGGTGAATTTTTGGTAATAATTTTAGGACACTGTAGTTCCTGGACACATAT[C>G]TTTGCTTCATCTTCCACAAAATTTTCTGGTGATAGATGACTTGCTGCTTCCAGTAAATAA-3'
Protein context (NP_114432.2, residues 930-950): SPENFVEDEA[Lys940Asn]ICVQELQCPK

ClinVar aggregate classification (germline): Uncertain significance. Review status: criteria provided, multiple submitters, no conflicts (2 of 4 stars). 3 submissions from 3 submitters: Uncertain significance (3). Last evaluated 2025-05-17.

Conditions:
Hereditary cancer-predisposing syndrome. Also called: Hereditary Cancer Syndrome; Hereditary neoplastic syndrome; Neoplastic Syndromes, Hereditary; Tumor predisposition. Identifiers: Orphanet 140162, MedGen C0027672, MeSH D009386, MONDO:0015356.
Familial cancer of breast. Also called: hereditary breast carcinoma; Hereditary breast cancer; BREAST CANCER, FAMILIAL. Identifiers: Orphanet 227535, MedGen C0346153, MONDO:0016419, OMIM 114480. Disease mechanism: loss of function.
Fanconi anemia complementation group J. Also called: BRIP1-Related Fanconi Anemia. Identifiers: Orphanet 84, MedGen C1836860, MONDO:0012187, OMIM 609054.

Submissions (3):

Ambry Genetics
Classification: Uncertain significance for Hereditary cancer-predisposing syndrome. Last evaluated: 2025-05-17. Review status: criteria provided, single submitter. Criteria: Ambry Variant Classification Scheme 2023. Collection method: clinical testing. Allele origin: germline.
Comment: The p.K940N variant (also known as c.2820G>C), located in coding exon 18 of the BRIP1 gene, results from a G to C substitution at nucleotide position 2820. The lysine at codon 940 is replaced by asparagine, an amino acid with similar properties. This amino acid position is conserved. In addition, this alteration is predicted to be tolerated by in silico analysis. Based on the available evidence, the clinical significance of this variant remains unclear.

Molecular Diagnostics Laboratory, Catalan Institute of Oncology
Classification: Uncertain significance for Hereditary cancer-predisposing syndrome. Last evaluated: 2025-05-11. Review status: criteria provided, single submitter. Criteria: ACMG Guidelines, 2015. Collection method: clinical testing. Allele origin: germline.
Comment: PM2_Supporting, BP4_Moderate c.2820G>C, located in exon 19 of the BRIP1 gene, is predicted to result in the substitution of Lysine by Asparagine at codon 940, p.(Lys940Asn). It is not present in the population database gnomAD v2.1.1, non cancer dataset (PM2_supporting). The SpliceAI algorithm predicts no significant impact on splicing. The REVEL meta-predictor score for this variant (0.066) suggests that it does not affect the protein function according Pejaver 2022 thresholds (PMID: 36413997) (BP4_moderate). To our knowledge, neither relevant clinical data nor well-stablished functional studies have been reported for this variant. This variant has only been reported once in ClinVar, as an uncertain significance variant. Based on the currently available information, c.2820G>C is classified as an uncertain significance variant according to ACMG guidelines.

Labcorp Genetics (formerly Invitae), Labcorp
Classification: Uncertain significance for Familial cancer of breast; Fanconi anemia complementation group J. Last evaluated: 2022-01-15. Review status: criteria provided, single submitter. Criteria: Invitae Variant Classification Sherloc (09022015). Collection method: clinical testing. Allele origin: germline.
Comment: This variant is not present in population databases (gnomAD no frequency). This variant has not been reported in the literature in individuals affected with BRIP1-related conditions. Algorithms developed to predict the effect of missense changes on protein structure and function are either unavailable or do not agree on the potential impact of this missense change (SIFT: "Tolerated"; PolyPhen-2: "Possibly Damaging"; Align-GVGD: "Class C0"). In summary, the available evidence is currently insufficient to determine the role of this variant in disease. Therefore, it has been classified as a Variant of Uncertain Significance. This sequence change replaces lysine, which is basic and polar, with asparagine, which is neutral and polar, at codon 940 of the BRIP1 protein (p.Lys940Asn).